The following is an entry in ClinVar:

ClinVar aggregate classification (germline): Uncertain significance. Review status: criteria provided, multiple submitters, no conflicts (2 of 4 stars). 2 submissions from 2 submitters: Uncertain significance (2). Last evaluated 2024-04-01.

Conditions:
Emery-Dreifuss muscular dystrophy 4, autosomal dominant (EDMD4). Also called: EMERY-DREIFUSS MUSCULAR DYSTROPHY 4 WITH VARIABLE FEATURES. Identifiers: Orphanet 261, MedGen C2751807, MONDO:0013071, OMIM 612998.
Autosomal recessive ataxia, Beauce type. Also called: SYNE1 Deficiency; Spinocerebellar ataxia, autosomal recessive 8; ATAXIA, RECESSIVE, OF BEAUCE; SYNE1-Related Autosomal Recessive Cerebellar Ataxia. Identifiers: Orphanet 88644, MedGen C1853116, MONDO:0012549, OMIM 610743.

Allele frequency attached by ClinVar (database versions not stated): gnomAD exomes 0.00001; TOPMed 0.00011; ExAC 0.00001.
gnomAD v4.1: 20 of 1,614,170 alleles (0.0012%); highest among the groups gnomAD compares: Admixed American, 0.017%; no homozygotes.

Submissions (2):

Labcorp Genetics (formerly Invitae), Labcorp
Classification: Uncertain significance for Emery-Dreifuss muscular dystrophy 4, autosomal dominant; Autosomal recessive ataxia, Beauce type. Last evaluated: 2024-04-01. Review status: criteria provided, single submitter. Criteria: Invitae Variant Classification Sherloc (09022015). Collection method: clinical testing. Allele origin: germline.
Comment: This sequence change replaces glutamic acid, which is acidic and polar, with lysine, which is basic and polar, at codon 8414 of the SYNE1 protein (p.Glu8414Lys). This variant is present in population databases (rs767021373, gnomAD 0.02%). This variant has not been reported in the literature in individuals affected with SYNE1-related conditions. ClinVar contains an entry for this variant (Variation ID: 2058062). An algorithm developed to predict the effect of missense changes on protein structure and function (PolyPhen-2) suggests that this variant is likely to be disruptive. In summary, the available evidence is currently insufficient to determine the role of this variant in disease. Therefore, it has been classified as a Variant of Uncertain Significance.

GeneDx
Classification: Uncertain significance. Last evaluated: 2023-04-12. Review status: criteria provided, single submitter. Criteria: GeneDx Variant Classification Process June 2021. Collection method: clinical testing. Allele origin: germline. Affected: yes.
Comment: In silico analysis supports that this missense variant has a deleterious effect on protein structure/function; Has not been previously published as pathogenic or benign to our knowledge

NM_182961.4(SYNE1):c.25384G>A (p.Glu8462Lys)

Gene: SYNE1 (spectrin repeat containing nuclear envelope protein 1; minus strand). Cytogenetic location: 6q25.2.
Variant type: single nucleotide variant.
Coding change: c.25384G>A on transcript NM_182961.4 (MANE Select); coding-DNA position 25384, G replaced by A.
Protein change: p.Glu8462Lys; replaces glutamic acid 8462 with lysine.
Molecular consequence: missense variant.
Genome position (GRCh38, 1-based): chr6:152,140,024, C>T on the plus strand (G>A on the coding strand, the complement: SYNE1 is on the minus strand). VCF-style: chr6-152140024-C-T. GRCh37 (hg19) VCF-style: chr6-152461159-C-T.
Other names: c.1990G>A, p.Glu664Lys (NM_001347701.2); c.1918G>A, p.Glu640Lys (NM_001347702.2); c.25240G>A, p.Glu8414Lys (NM_033071.5); short protein forms E664K, E8414K, E8462K, E640K.
Identifiers: ClinVar variation 2058062 (VCV002058062.5), dbSNP rs767021373, ClinGen allele CA4052854.